The following is an entry in ClinVar:

ClinVar aggregate classification (germline): Uncertain significance. Review status: criteria provided, single submitter (1 of 4 stars). 2 submissions from 2 submitters: Uncertain significance (1). 1 of the submissions does not count toward it. Last evaluated 2021-08-24.

Conditions:
Autosomal recessive osteopetrosis 1. Also called: ALBERS-SCHONBERG DISEASE, AUTOSOMAL RECESSIVE; TCIRG1-Related Osteopetrosis; TCIRG1-Related Autosomal Recessive Osteopetrosis. Identifiers: Orphanet 667, MedGen C1850127, MONDO:0009815, OMIM 259700.

Allele frequency attached by ClinVar (database versions not stated): ExAC 0.00002; gnomAD exomes 0.00002; gnomAD 0.00001.

Submissions (2):

Labcorp Genetics (formerly Invitae), Labcorp
Classification: Uncertain significance. Last evaluated: 2021-08-24. Review status: criteria provided, single submitter. Criteria: Invitae Variant Classification Sherloc (09022015). Collection method: clinical testing. Allele origin: germline.
Comment: This sequence change replaces valine with isoleucine at codon 504 of the TCIRG1 protein (p.Val504Ile). The valine residue is moderately conserved and there is a small physicochemical difference between valine and isoleucine. This variant is present in population databases (rs755559179, ExAC 0.02%). This variant has not been reported in the literature in individuals affected with TCIRG1-related conditions. Algorithms developed to predict the effect of missense changes on protein structure and function output the following: SIFT: "Tolerated"; PolyPhen-2: "Benign"; Align-GVGD: "Class C0". The isoleucine amino acid residue is found in multiple mammalian species, which suggests that this missense change does not adversely affect protein function. In summary, the available evidence is currently insufficient to determine the role of this variant in disease. Therefore, it has been classified as a Variant of Uncertain Significance.

Natera, Inc.
Classification: Uncertain significance for Infantile malignant osteopetrosis. Last evaluated: 2020-10-05. Review status: no assertion criteria provided. Collection method: clinical testing. Allele origin: germline. Not counted in ClinVar's aggregate classification.

NM_006019.4(TCIRG1):c.1510G>A (p.Val504Ile)

Gene: TCIRG1 (T cell immune regulator 1, ATPase H+ transporting V0 subunit a3; plus strand). Cytogenetic location: 11q13.2.
Variant type: single nucleotide variant.
Coding change: c.1510G>A on transcript NM_006019.4 (MANE Select); coding-DNA position 1510, G replaced by A.
Protein change: p.Val504Ile; replaces valine 504 with isoleucine.
Molecular consequence: missense variant.
Genome position (GRCh38, 1-based): chr11:68,047,928, G>A. VCF-style: chr11-68047928-G-A. GRCh37 (hg19) VCF-style: chr11-67815395-G-A.
Other names: c.616G>A, p.Val206Ile (NM_001351059.2); c.862G>A, p.Val288Ile (NM_006053.4); short protein forms V206I, V288I, V504I.
Identifiers: ClinVar variation 1016477 (VCV001016477.3), dbSNP rs755559179, ClinGen allele CA6147149.